The following is an entry in ClinVar:

NM_001375567.1(FOCAD):c.1582C>T (p.Arg528Ter)

Gene: FOCAD (focadhesin; plus strand). Cytogenetic location: 9p21.3.
Variant type: single nucleotide variant.
Coding change: c.1582C>T on transcript NM_001375567.1 (MANE Select); coding-DNA position 1582, C replaced by T.
Protein change: p.Arg528Ter; replaces arginine 528 with a stop codon.
Molecular consequence: nonsense.
Genome position (GRCh38, 1-based): chr9:20,820,345, C>T. VCF-style: chr9-20820345-C-T. GRCh37 (hg19) VCF-style: chr9-20820344-C-T.
Other names: c.1477C>T, p.Arg493Ter (NM_001375568.1, NM_001375570.1); c.1582C>T, p.Arg528Ter (NM_017794.5); short protein forms R528*, R493*.
Identifiers: ClinVar variation 4699090 (VCV004699090.1).

ClinVar aggregate classification (germline): Uncertain significance (1 of 4 stars; one submission).

gnomAD v4.1: 41 of 1,611,890 alleles (0.0025%); highest among the groups gnomAD compares: East Asian, 0.0067%; no homozygotes.

Submission:

Labcorp Genetics (formerly Invitae), Labcorp
Classification: Uncertain significance. Last evaluated: 2025-12-09. Review status: criteria provided, single submitter. Criteria: Invitae Variant Classification Sherloc (09022015). Collection method: clinical testing. Allele origin: germline.
Comment: This sequence change creates a premature translational stop signal (p.Arg528*) in the FOCAD gene. It is expected to result in an absent or disrupted protein product. However, the current clinical and genetic evidence is not sufficient to establish whether loss-of-function variants in FOCAD cause disease. This variant is present in population databases (rs141620768, gnomAD 0.007%). This variant has not been reported in the literature in individuals affected with FOCAD-related conditions. In summary, the available evidence is currently insufficient to determine the role of this variant in disease. Therefore, it has been classified as a Variant of Uncertain Significance.